The following is an entry in ClinVar:

ClinVar aggregate classification (germline): Uncertain significance. Review status: criteria provided, multiple submitters, no conflicts (2 of 4 stars). 2 submissions from 2 submitters: Uncertain significance (2). Last evaluated 2023-08-16.

Conditions:
Developmental and epileptic encephalopathy, 36 (DEE36). Also called: ALG13-CDG; Epileptic encephalopathy, early infantile, 36; Congenital disorder of glycosylation, type Is. Identifiers: Orphanet 324422, MedGen C4317295, MONDO:0010472, OMIM 300884.
Inborn genetic diseases. Identifiers: MedGen C0950123, MeSH D030342.

Submissions (2):

Labcorp Genetics (formerly Invitae), Labcorp
Classification: Uncertain significance for Developmental and epileptic encephalopathy, 36. Last evaluated: 2023-08-16. Review status: criteria provided, single submitter. Criteria: Invitae Variant Classification Sherloc (09022015). Collection method: clinical testing. Allele origin: germline.
Comment: In summary, the available evidence is currently insufficient to determine the role of this variant in disease. Therefore, it has been classified as a Variant of Uncertain Significance. Advanced modeling of protein sequence and biophysical properties (such as structural, functional, and spatial information, amino acid conservation, physicochemical variation, residue mobility, and thermodynamic stability) performed at Invitae indicates that this missense variant is not expected to disrupt ALG13 protein function. ClinVar contains an entry for this variant (Variation ID: 2236460). This variant has not been reported in the literature in individuals affected with ALG13-related conditions. This variant is not present in population databases (gnomAD no frequency). This sequence change replaces proline, which is neutral and non-polar, with arginine, which is basic and polar, at codon 613 of the ALG13 protein (p.Pro613Arg).

Ambry Genetics
Classification: Uncertain significance for Inborn genetic diseases. Last evaluated: 2021-07-13. Review status: criteria provided, single submitter. Criteria: Ambry Variant Classification Scheme 2023. Collection method: clinical testing. Allele origin: germline.

NM_001099922.3(ALG13):c.1838C>G (p.Pro613Arg)

Gene: ALG13 (ALG13 UDP-N-acetylglucosaminyltransferase subunit; plus strand). Cytogenetic location: Xq23.
Variant type: single nucleotide variant.
Coding change: c.1838C>G on transcript NM_001099922.3 (MANE Select); coding-DNA position 1838, C replaced by G.
Protein change: p.Pro613Arg; replaces proline 613 with arginine.
Molecular consequence: missense variant. On other transcripts: non-coding transcript variant (1).
Genome position (GRCh38, 1-based): chrX:111,726,917, C>G. VCF-style: chrX-111726917-C-G. GRCh37 (hg19) VCF-style: chrX-110970145-C-G.
Other names: c.1526C>G, p.Pro509Arg (NM_001257230.2, NM_001257234.2, NM_001257237.2); c.1604C>G, p.Pro535Arg (NM_001257231.2); c.1838C>G, p.Pro613Arg (NM_001324292.2); c.1352C>G, p.Pro451Arg (NM_001324293.1); short protein forms P535R, P613R, P451R, P509R.
Identifiers: ClinVar variation 2236460 (VCV002236460.5), dbSNP rs2148218704, ClinGen allele CA414252658.
Genomic context (GRCh38, chrX:111,726,917, plus strand): 5'-TTCGAGGGAAAGAAGTTTACATGACTATGGCTTACGGCAAGGGAGACCCCCTCCTCCCAC[C>G]CAGGCTGCAGCACAGTATGCATTATGGGCACGATCCTCCAATGCACTACTCACAGACAGC-3'
Protein context (NP_001093392.1, residues 603-623): AYGKGDPLLP[Pro613Arg]RLQHSMHYGH